The following is an entry in ClinVar:

ClinVar aggregate classification (germline): Uncertain significance. Review status: criteria provided, multiple submitters, no conflicts (2 of 4 stars). 2 submissions from 2 submitters: Uncertain significance (2). Last evaluated 2026-07-02.

Conditions:
Familial adenomatous polyposis 1 (FAP1). Also called: FAMILIAL ADENOMATOUS POLYPOSIS 1, ATTENUATED; POLYPOSIS, ADENOMATOUS INTESTINAL. Identifiers: MedGen C2713442, MONDO:0021056, OMIM 175100. Disease mechanism: loss of function.
Hereditary cancer-predisposing syndrome. Also called: Hereditary neoplastic syndrome; Neoplastic Syndromes, Hereditary; Tumor predisposition; Hereditary Cancer Syndrome. Identifiers: Orphanet 140162, MedGen C0027672, MeSH D009386, MONDO:0015356.

Submissions (2):

Ambry Genetics
Classification: Uncertain significance for Hereditary cancer-predisposing syndrome. Last evaluated: 2026-07-02. Review status: criteria provided, single submitter. Criteria: Ambry Variant Classification Scheme 2023. Collection method: clinical testing. Allele origin: germline.
Comment: The p.S1278L variant (also known as c.3833C>T), located in coding exon 15 of the APC gene, results from a C to T substitution at nucleotide position 3833. The serine at codon 1278 is replaced by leucine, an amino acid with dissimilar properties. This amino acid position is conserved. In addition, in silico predictors for this gene do not accurately predict pathogenicity. Based on the available evidence, the clinical significance of this variant remains unclear.

Labcorp Genetics (formerly Invitae), Labcorp
Classification: Uncertain significance for Familial adenomatous polyposis 1. Last evaluated: 2024-06-19. Review status: criteria provided, single submitter. Criteria: Invitae Variant Classification Sherloc (09022015). Collection method: clinical testing. Allele origin: germline.
Comment: This sequence change replaces serine, which is neutral and polar, with leucine, which is neutral and non-polar, at codon 1278 of the APC protein (p.Ser1278Leu). This variant is not present in population databases (gnomAD no frequency). This variant has not been reported in the literature in individuals affected with APC-related conditions. Advanced modeling of protein sequence and biophysical properties (such as structural, functional, and spatial information, amino acid conservation, physicochemical variation, residue mobility, and thermodynamic stability) performed at Invitae indicates that this missense variant is not expected to disrupt APC protein function with a negative predictive value of 95%. In summary, the available evidence is currently insufficient to determine the role of this variant in disease. Therefore, it has been classified as a Variant of Uncertain Significance.

NM_000038.6(APC):c.3833C>T (p.Ser1278Leu)

Gene: APC (APC regulator of Wnt signaling pathway; plus strand). Cytogenetic location: 5q22.2.
Variant type: single nucleotide variant.
Coding change: c.3833C>T on transcript NM_000038.6 (MANE Select); coding-DNA position 3833, C replaced by T.
Protein change: p.Ser1278Leu; replaces serine 1278 with leucine.
Molecular consequence: missense variant. On other transcripts: non-coding transcript variant (2).
Genome position (GRCh38, 1-based): chr5:112,839,427, C>T. VCF-style: chr5-112839427-C-T. GRCh37 (hg19) VCF-style: chr5-112175124-C-T.
Other names: c.3833C>T, p.Ser1278Leu (NM_001127510.3, NM_001354895.2, NM_001407450.1); c.3779C>T, p.Ser1260Leu (NM_001127511.3); c.3656C>T, p.Ser1219Leu (NM_001407453.1, NM_001354901.2); c.3584C>T, p.Ser1195Leu (NM_001407454.1, NM_001407455.1, NM_001407456.1 and 1 more transcripts); c.3530C>T, p.Ser1177Leu (NM_001407458.1, NM_001407459.1, NM_001407460.1 and 1 more transcripts); c.3446C>T, p.Ser1149Leu (NM_001407467.1, NM_001407469.1); c.2984C>T, p.Ser995Leu (NM_001407470.1, NM_001354906.2); c.2681C>T, p.Ser894Leu (NM_001407471.1, NM_001407472.1); and 12 more; short protein forms S1195L, S1219L, S1268L, S1149L, S1260L, S1278L, S894L, S995L.
Identifiers: ClinVar variation 3635453 (VCV003635453.3).